The following is an entry in ClinVar:

NM_001044.5(SLC6A3):c.1599+201C>T

Genes: SLC6A3 (solute carrier family 6 member 3), LOC126807284 (CDK7 strongly-dependent group 2 enhancer GRCh37_chr5:1404958-1406157). Cytogenetic location: 5p15.33.
Variant type: single nucleotide variant.
Coding change: c.1599+201C>T on transcript NM_001044.5 (MANE Select); 201 bases into the intron after coding-DNA position 1599, C replaced by T.
Molecular consequence: intron variant.
Genome position (GRCh38, 1-based): chr5:1,405,987, G>A on the plus strand (C>T on the coding strand, the complement: SLC6A3 is on the minus strand). VCF-style: chr5-1405987-G-A. GRCh37 (hg19) VCF-style: chr5-1406102-G-A.
Identifiers: ClinVar variation 4086024 (VCV004086024.8).

ClinVar aggregate classification (germline): Benign (1 of 4 stars; one submission).

gnomAD v4.1: 621 of 152,326 alleles (0.41%); highest among the groups gnomAD compares: African/African-American, 1.3%; 4 homozygotes.

Submission:

CeGaT Center for Human Genetics Tuebingen
Classification: Benign. Last evaluated: 2025-06-01. Review status: criteria provided, single submitter. Criteria: CeGaT Center For Human Genetics Tuebingen Variant Classification Criteria Version 2. Collection method: clinical testing. Allele origin: germline. Affected: yes. Observed: 1 variant allele.
Comment: SLC6A3: BS1, BS2